The following is an entry in ClinVar:

ClinVar aggregate classification (germline): Pathogenic. Review status: criteria provided, multiple submitters, no conflicts (2 of 4 stars). 2 submissions from 2 submitters: Pathogenic (2). Last evaluated 2023-11-10.

Conditions:
Familial cancer of breast. Also called: Hereditary breast cancer; BREAST CANCER, FAMILIAL; hereditary breast carcinoma. Identifiers: Orphanet 227535, MedGen C0346153, MONDO:0016419, OMIM 114480. Disease mechanism: loss of function.

Submissions (2):

Labcorp Genetics (formerly Invitae), Labcorp
Classification: Pathogenic for Familial cancer of breast. Last evaluated: 2023-11-10. Review status: criteria provided, single submitter. Criteria: Invitae Variant Classification Sherloc (09022015). Collection method: clinical testing. Allele origin: germline.
Comment: This sequence change creates a premature translational stop signal (p.Glu669Argfs*3) in the PALB2 gene. It is expected to result in an absent or disrupted protein product. Loss-of-function variants in PALB2 are known to be pathogenic (PMID: 17200668, 17200671, 17200672, 24136930, 25099575). This variant is not present in population databases (gnomAD no frequency). This variant has not been reported in the literature in individuals affected with PALB2-related conditions. For these reasons, this variant has been classified as Pathogenic.

Myriad Genetics, Inc.
Classification: Pathogenic for Familial cancer of breast. Last evaluated: 2023-09-12. Review status: criteria provided, single submitter. Criteria: Myriad Autosomal Dominant, Autosomal Recessive and X-Linked Classification Criteria (2023). Collection method: clinical testing. Allele origin: unknown.
Comment: This variant is considered pathogenic. This variant creates a frameshift predicted to result in premature protein truncation.

Literature cited by the submitters: PubMed 17200668 (cited by Labcorp Genetics (formerly Invitae), Labcorp); PubMed 17200671 (cited by Labcorp Genetics (formerly Invitae), Labcorp); PubMed 17200672 (cited by Labcorp Genetics (formerly Invitae), Labcorp); PubMed 24136930 (cited by Labcorp Genetics (formerly Invitae), Labcorp); PubMed 25099575 (cited by Labcorp Genetics (formerly Invitae), Labcorp).

NM_024675.4(PALB2):c.2005del (p.Glu669fs)

Gene: PALB2 (partner and localizer of BRCA2; minus strand). Cytogenetic location: 16p12.2.
Variant type: Deletion.
Coding change: c.2005del on transcript NM_024675.4 (MANE Select); coding-DNA position 2005, one base deleted (G; older notation c.2005delG).
Protein change: p.Glu669fs; shifts the reading frame from glutamic acid 669.
Molecular consequence: frameshift variant. On other transcripts: intron variant (1).
Genome position (GRCh38, 1-based): chr16:23,630,149, C deleted on the plus strand (G on the coding strand, the reverse complement: PALB2 is on the minus strand); the first of 2 consecutive C bases (chr16:23,630,149-23,630,150); deleting either gives the same sequence. VCF-style (leftmost placement, unchanged base first): chr16-23630148-TC-T. GRCh37 (hg19) VCF-style: chr16-23641469-TC-T.
Other names: c.217del, p.Glu73fs (NM_001407312.1, NM_001407313.1); c.49-874del (NM_001407314.1); c.1945del, p.Glu649fs (NM_001407296.1); c.2005del, p.Glu669fs (NM_001407297.1, NM_001407298.1, NM_001407299.1 and 3 more transcripts); c.1120del, p.Glu374fs (NM_001407304.1, NM_001407305.1, NM_001407306.1 and 5 more transcripts); short protein forms E374fs, E649fs, E669fs, E73fs.
Identifiers: ClinVar variation 2673881 (VCV002673881.4), dbSNP rs2506426669, ClinGen allele CA2695197508.